The following is an entry in ClinVar:

ClinVar aggregate classification (germline): Uncertain significance (1 of 4 stars; one submission).

gnomAD v4.1: 2 of 1,212,210 alleles (0.00016%); highest among the groups gnomAD compares: South Asian, 0.0035%; no homozygotes.

Submission:

Labcorp Genetics (formerly Invitae), Labcorp
Classification: Uncertain significance. Last evaluated: 2024-08-31. Review status: criteria provided, single submitter. Criteria: Invitae Variant Classification Sherloc (09022015). Collection method: clinical testing. Allele origin: germline.
Comment: This sequence change replaces valine, which is neutral and non-polar, with leucine, which is neutral and non-polar, at codon 315 of the BGN protein (p.Val315Leu). This variant is not present in population databases (gnomAD no frequency). This variant has not been reported in the literature in individuals affected with BGN-related conditions. Invitae Evidence Modeling of protein sequence and biophysical properties (such as structural, functional, and spatial information, amino acid conservation, physicochemical variation, residue mobility, and thermodynamic stability) indicates that this missense variant is not expected to disrupt BGN protein function with a negative predictive value of 80%. In summary, the available evidence is currently insufficient to determine the role of this variant in disease. Therefore, it has been classified as a Variant of Uncertain Significance.

NM_001711.6(BGN):c.943G>C (p.Val315Leu)

Gene: BGN (biglycan; plus strand). Cytogenetic location: Xq28.
Variant type: single nucleotide variant.
Coding change: c.943G>C on transcript NM_001711.6 (MANE Select); coding-DNA position 943, G replaced by C.
Protein change: p.Val315Leu; replaces valine 315 with leucine.
Molecular consequence: missense variant.
Genome position (GRCh38, 1-based): chrX:153,508,281, G>C. VCF-style: chrX-153508281-G-C. GRCh37 (hg19) VCF-style: chrX-152773739-G-C.
Other names: short protein forms V315L.
Identifiers: ClinVar variation 3614717 (VCV003614717.2).